The following is an entry in ClinVar:

NM_005460.4(SNCAIP):c.1218C>T (p.Ser406=)

Gene: SNCAIP (synuclein alpha interacting protein; plus strand). Cytogenetic location: 5q23.2.
Variant type: single nucleotide variant.
Coding change: c.1218C>T on transcript NM_005460.4 (MANE Select); coding-DNA position 1218, C replaced by T.
Protein change: p.Ser406=; no amino-acid change (serine 406 retained).
Molecular consequence: synonymous variant. On other transcripts: non-coding transcript variant (2), intron variant (1).
Genome position (GRCh38, 1-based): chr5:122,432,004, C>T. VCF-style: chr5-122432004-C-T. GRCh37 (hg19) VCF-style: chr5-121767699-C-T.
Other names: c.120C>T, p.Ser40= (NM_001242935.3, NM_001308107.2); c.1359C>T, p.Ser453= (NM_001308100.2); c.1038C>T, p.Ser346= (NM_001308105.1); c.114C>T, p.Ser38= (NM_001308106.1); c.300C>T, p.Ser100= (NM_001308108.1); c.85-8625C>T (NM_001308109.2).
Identifiers: ClinVar variation 350494 (VCV000350494.8), dbSNP rs148152880, ClinGen allele CA3384819.
Genomic context (GRCh38, chr5:122,432,004, plus strand): 5'-TCTCCCTTTCTTTTTTAAAACCTAGAATGGTCAGTTGGAGTGCGTACGCTGGATGGTGAG[C>T]GAAACAGAAGCCATTGCAGAACTGAGTTGTTCTAAGGATTTTCCAAGCCTTATTCATTAC-3'
Protein context (NP_005451.2, residues 396-416): GQLECVRWMV[Ser406=]ETEAIAELSC

ClinVar aggregate classification (germline): Benign. Review status: criteria provided, multiple submitters, no conflicts (2 of 4 stars). 2 submissions from 2 submitters: Benign (2). Last evaluated 2018-06-26.

Conditions:
Parkinson Disease, Dominant/Recessive.

Allele frequency attached by ClinVar (database versions not stated): gnomAD exomes 0.00019; gnomAD 0.00147; ESP Exome Variant Server 0.00154; 1000 Genomes Project 0.00180; TOPMed 0.00184; 1000 Genomes Project 30x 0.00203.
gnomAD v4.1: 545 of 1,604,850 alleles (0.034%); highest among the groups gnomAD compares: African/African-American, 0.62%; 1 homozygote.

Submissions (2):

Labcorp Genetics (formerly Invitae), Labcorp
Classification: Benign. Last evaluated: 2018-06-26. Review status: criteria provided, single submitter. Criteria: Invitae Variant Classification Sherloc (09022015). Collection method: clinical testing. Allele origin: germline.

Illumina Laboratory Services, Illumina
Classification: Benign for Parkinson Disease, Dominant/Recessive. Last evaluated: 2018-01-13. Review status: criteria provided, single submitter. Criteria: ICSL Variant Classification Criteria 13 December 2019. Collection method: clinical testing. Allele origin: germline.
Comment: This variant was observed in the ICSL laboratory as part of a predisposition screen in an ostensibly healthy population. It had not been previously curated by ICSL or reported in the Human Gene Mutation Database (HGMD: prior to June 1st, 2018), and was therefore a candidate for classification through an automated scoring system. Utilizing variant allele frequency, disease prevalence and penetrance estimates, and inheritance mode, an automated score was calculated to assess if this variant is too frequent to cause the disease. Based on the score and internal cut-off values, a variant classified as benign is not then subjected to further curation. The score for this variant resulted in a classification of benign for this disease.